The following is an entry in ClinVar:

NM_001039958.2(MESP2):c.921C>G (p.Tyr307Ter)

Gene: MESP2 (mesoderm posterior bHLH transcription factor 2; plus strand). Cytogenetic location: 15q26.1.
Variant type: single nucleotide variant.
Coding change: c.921C>G on transcript NM_001039958.2 (MANE Select); coding-DNA position 921, C replaced by G.
Protein change: p.Tyr307Ter; replaces tyrosine 307 with a stop codon.
Molecular consequence: nonsense.
Genome position (GRCh38, 1-based): chr15:89,777,278, C>G. VCF-style: chr15-89777278-C-G. GRCh37 (hg19) VCF-style: chr15-90320509-C-G.
Other names: short protein forms Y307*.
Identifiers: ClinVar variation 552988 (VCV000552988.6), dbSNP rs766664800, ClinGen allele CA7730530.

ClinVar aggregate classification (germline): Conflicting classifications of pathogenicity. Review status: criteria provided, conflicting classifications (1 of 4 stars). 4 submissions from 4 submitters: Likely pathogenic (1); Uncertain significance (2). 1 of the submissions does not count toward it. Last evaluated 2025-04-08.

Conditions:
Spondylocostal dysostosis 2, autosomal recessive (SCDO2). Also called: MESP2-Related Spondylocostal Dysostosis, Autosomal Recessive; Spondylocostal dysostosis type 2. Identifiers: Orphanet 2311, MedGen C1837549, MONDO:0012097, OMIM 608681.

Allele frequency attached by ClinVar (database versions not stated): ExAC 0.00001; gnomAD exomes 0.00001.

Submissions (4):

Myriad Genetics, Inc.
Classification: Likely pathogenic for Spondylocostal dysostosis 2, autosomal recessive. Last evaluated: 2025-04-08. Review status: criteria provided, single submitter. Criteria: Myriad Autosomal Dominant, Autosomal Recessive and X-Linked Classification Criteria (2023). Collection method: clinical testing. Allele origin: unknown.
Comment: NM_001039958.1(MESP2):c.921C>G(Y307*) is nonsense classified as likely pathogenic in the context of spondylothoracic dysostosis. Y307* has been observed in a case with relevant disease (PMID: 36653407). Relevant functional assessments of this variant are available in the literature (PMID: 32572506). Y307* has been observed in referenced population frequency databases. In summary, NM_001039958.1(MESP2):c.921C>G(Y307*) is nonsense that has functional support for pathogenicity and has been observed more frequently in cases with the relevant disease than in healthy populations. Please note: this variant was assessed in the context of healthy population screening.

GeneDx
Classification: Uncertain significance. Last evaluated: 2024-12-09. Review status: criteria provided, single submitter. Criteria: GeneDx Variant Classification Process June 2021. Collection method: clinical testing. Allele origin: germline.
Comment: Identified in the heterozygous state in a patient with transposition of the great arteries in published literature, but familial segregation information was not included (PMID: 32572506); Nonsense variant predicted to result in protein truncation as the last 91amino acid(s) are lost; This variant is associated with the following publications: (PMID: 32572506, 36653407, 37406974)

Women's Health and Genetics/Laboratory Corporation of America, LabCorp
Classification: Uncertain significance. Last evaluated: 2024-11-06. Review status: criteria provided, single submitter. Criteria: LabCorp Variant Classification Summary - May 2015. Collection method: clinical testing. Allele origin: germline.
Comment: Variant summary: MESP2 c.921C>G (p.Tyr307X) results in a premature termination codon, predicted to cause a truncation of the encoded protein, although nonsense mediated decay is not predicted. The variant allele was found at a frequency of 1.3e-05 in 237336 control chromosomes. The available data on variant occurrences in the general population are insufficient to allow any conclusion about variant significance. c.921C>G has been reported in the literature in heterozygous individual with transposition of the great arteries (Zhang_2020), however no family history was provided. These report(s) do not provide unequivocal conclusions about association of the variant with Spondylocostal Dysostosis 2. To our knowledge, no experimental evidence demonstrating an impact on protein function has been reported. The following publication have been ascertained in the context of this evaluation (PMID: 32572506). ClinVar contains an entry for this variant (Variation ID: 552988). Based on the evidence outlined above, the variant was classified as uncertain significance.

Counsyl
Classification: Uncertain significance for Spondylocostal dysostosis 2, autosomal recessive. Last evaluated: 2017-07-24. Review status: no assertion criteria provided. Collection method: clinical testing. Allele origin: unknown. Not counted in ClinVar's aggregate classification.

Literature cited by the submitters: PubMed 32572506 (cited by Myriad Genetics, Inc. and Women's Health and Genetics/Laboratory Corporation of America, LabCorp); PubMed 36653407 (cited by Myriad Genetics, Inc.).